The following is an entry in ClinVar:

ClinVar aggregate classification (germline): Uncertain significance (1 of 4 stars; one submission).

gnomAD v4.1: 1 of 1,614,224 alleles (0.000062%); highest among the groups gnomAD compares: Non-Finnish European, 0.000085%; no homozygotes.

Submission:

Labcorp Genetics (formerly Invitae), Labcorp
Classification: Uncertain significance. Last evaluated: 2021-04-06. Review status: criteria provided, single submitter. Criteria: Invitae Variant Classification Sherloc (09022015). Collection method: clinical testing. Allele origin: germline.
Comment: In summary, the available evidence is currently insufficient to determine the role of this variant in disease. Therefore, it has been classified as a Variant of Uncertain Significance. Algorithms developed to predict the effect of missense changes on protein structure and function output the following: SIFT: "Not Available"; PolyPhen-2: "Benign"; Align-GVGD: "Not Available". The aspartic acid amino acid residue is found in multiple mammalian species, suggesting that this missense change does not adversely affect protein function. These predictions have not been confirmed by published functional studies and their clinical significance is uncertain. This variant has not been reported in the literature in individuals with LCT-related conditions. This variant is not present in population databases (ExAC no frequency). This sequence change replaces asparagine with aspartic acid at codon 1005 of the LCT protein (p.Asn1005Asp). The asparagine residue is weakly conserved and there is a small physicochemical difference between asparagine and aspartic acid.

NM_002299.4(LCT):c.3013A>G (p.Asn1005Asp)

Gene: LCT (lactase; minus strand). Cytogenetic location: 2q21.3.
Variant type: single nucleotide variant.
Coding change: c.3013A>G on transcript NM_002299.4 (MANE Select); coding-DNA position 3013, A replaced by G.
Protein change: p.Asn1005Asp; replaces asparagine 1005 with aspartic acid.
Molecular consequence: missense variant.
Genome position (GRCh38, 1-based): chr2:135,809,334, T>C on the plus strand (A>G on the coding strand, the complement: LCT is on the minus strand). VCF-style: chr2-135809334-T-C. GRCh37 (hg19) VCF-style: chr2-136566904-T-C.
Other names: short protein forms N1005D.
Identifiers: ClinVar variation 1496257 (VCV001496257.6), dbSNP rs2077712035, ClinGen allele CA348601190.
Genomic context (GRCh38, chr2:135,809,334, plus strand): 5'-GGGGCAGGTCCCAATGGAACAATGTCACCATGGGAAAGATGTTGCTTGCCACCAAGCCAT[T>C]GATCAGCCTGTTGTAATAATCAACCCCATGACTGTTGATAGAGCTGTTTCTCCCAGTTGG-3'
Protein context (NP_002290.2, residues 995-1015): HGVDYYNRLI[Asn1005Asp]GLVASNIFPM